The following is an entry in ClinVar:

NM_000059.4(BRCA2):c.2931G>C (p.Leu977Phe)

Gene: BRCA2 (BRCA2 DNA repair associated; plus strand). Cytogenetic location: 13q13.1.
Variant type: single nucleotide variant.
Coding change: c.2931G>C on transcript NM_000059.4 (MANE Select); coding-DNA position 2931, G replaced by C.
Protein change: p.Leu977Phe; replaces leucine 977 with phenylalanine.
Molecular consequence: missense variant. On other transcripts: non-coding transcript variant (1), intron variant (2).
Genome position (GRCh38, 1-based): chr13:32,337,286, G>C. VCF-style: chr13-32337286-G-C. GRCh37 (hg19) VCF-style: chr13-32911423-G-C.
Other names: c.2931G>C, p.Leu977Phe (NM_001406719.1, NM_001406720.1, NM_001432077.1); c.1909+3899G>C (NM_001406721.1); c.424+6256G>C (NM_001406722.1); short protein forms L977F.
Identifiers: ClinVar variation 5033258 (VCV005033258.1).

ClinVar aggregate classification (germline): Uncertain significance (1 of 4 stars; one submission).

Conditions:
Hereditary cancer-predisposing syndrome. Also called: Neoplastic Syndromes, Hereditary; Tumor predisposition; Hereditary neoplastic syndrome; Hereditary Cancer Syndrome. Identifiers: Orphanet 140162, MedGen C0027672, MeSH D009386, MONDO:0015356.

gnomAD v4.1: 2 of 1,612,420 alleles (0.00012%); highest among the groups gnomAD compares: Non-Finnish European, 0.00017%; no homozygotes.

Submission:

Ambry Genetics
Classification: Uncertain significance for Hereditary cancer-predisposing syndrome. Last evaluated: 2026-07-02. Review status: criteria provided, single submitter. Criteria: Ambry Variant Classification Scheme 2023. Collection method: clinical testing. Allele origin: germline.
Comment: The p.L977F variant (also known as c.2931G>C), located in coding exon 10 of the BRCA2 gene, results from a G to C substitution at nucleotide position 2931. The leucine at codon 977 is replaced by phenylalanine, an amino acid with highly similar properties. This amino acid position is conserved. In addition, this alteration is predicted to be tolerated by in silico analysis. Based on the available evidence, the clinical significance of this variant remains unclear.